The following is an entry in ClinVar:

ClinVar aggregate classification (germline): Likely pathogenic (1 of 4 stars; one submission).

Conditions:
Dilated cardiomyopathy 1G (CMD1G). Identifiers: Orphanet 154, MedGen C1858763, MONDO:0011400, OMIM 604145.
Autosomal recessive limb-girdle muscular dystrophy type 2J (LGMDR10). Also called: Limb-girdle muscular dystrophy, type 2J; MUSCULAR DYSTROPHY, LIMB-GIRDLE, AUTOSOMAL RECESSIVE 10. Identifiers: Orphanet 140922, MedGen C1837342, MONDO:0012127, OMIM 608807.

Submission:

Labcorp Genetics (formerly Invitae), Labcorp
Classification: Likely pathogenic for Dilated cardiomyopathy 1G; Autosomal recessive limb-girdle muscular dystrophy type 2J. Last evaluated: 2023-07-14. Review status: criteria provided, single submitter. Criteria: Invitae Variant Classification Sherloc (09022015). Collection method: clinical testing. Allele origin: germline.
Comment: This sequence change creates a premature translational stop signal (p.Asp21293Glufs*6) in the TTN gene. While this is not anticipated to result in nonsense mediated decay, it is expected to create a truncated TTN protein. This variant is not present in population databases (gnomAD no frequency). This variant has not been reported in the literature in individuals affected with TTN-related conditions. ClinVar contains an entry for this variant (Variation ID: 1493633). This variant is located in the A band of TTN (PMID: 25589632). Truncating variants in this region are significantly overrepresented in patients affected with dilated cardiomyopathy (PMID: 25589632). Truncating variants in this region have also been reported in individuals affected with autosomal recessive centronuclear myopathy (PMID: 23975875). In summary, the currently available evidence indicates that the variant is pathogenic, but additional data are needed to prove that conclusively. Therefore, this variant has been classified as Likely Pathogenic.

Literature cited by the submitters: PubMed 25589632; PubMed 23975875.

NM_001267550.2(TTN):c.63879del (p.Asp21293fs)

Genes: TTN (titin; minus strand), TTN-AS1 (TTN antisense RNA 1; plus strand). Cytogenetic location: 2q31.2.
Variant type: Deletion.
Coding change: c.63879del on transcript NM_001267550.2 (MANE Select); coding-DNA position 63879, one base deleted (C; older notation c.63879delC).
Protein change: p.Asp21293fs; shifts the reading frame from aspartic acid 21293.
Molecular consequence: frameshift variant.
Genome position (GRCh38, 1-based): chr2:178,587,332, G deleted on the plus strand (C on the coding strand, the reverse complement: TTN is on the minus strand). VCF-style (leftmost placement, unchanged base first): chr2-178587331-CG-C. GRCh37 (hg19) VCF-style: chr2-179452058-CG-C.
Other names: c.56175del, p.Asp18725fs (NM_133378.4); c.37059del, p.Asp12353fs (NM_133432.3); c.37260del, p.Asp12420fs (NM_133437.4); c.58956del, p.Asp19652fs (NM_001256850.1); c.36684del, p.Asp12228fs (NM_003319.4); short protein forms D12353fs, D19652fs, D21293fs, D12420fs, D12228fs, D18725fs.
Identifiers: ClinVar variation 1493633 (VCV001493633.8), dbSNP rs2154182119, ClinGen allele CA2573133739.